The following is an entry in ClinVar:

NM_001367624.2(ZNF469):c.996C>G (p.Pro332=)

Gene: ZNF469 (zinc finger protein 469; plus strand). Cytogenetic location: 16q24.2.
Variant type: single nucleotide variant.
Coding change: c.996C>G on transcript NM_001367624.2 (MANE Select); coding-DNA position 996, C replaced by G.
Protein change: p.Pro332=; no amino-acid change (proline 332 retained).
Molecular consequence: synonymous variant.
Genome position (GRCh38, 1-based): chr16:88,428,466, C>G. VCF-style: chr16-88428466-C-G. GRCh37 (hg19) VCF-style: chr16-88494874-C-G.
Other names: NM_001127464.2:c.996C>G; NM_001127464.1:c.996C>G.
Identifiers: ClinVar variation 2758437 (VCV002758437.6), dbSNP rs532123606, ClinGen allele CA286372319.

ClinVar aggregate classification (germline): Likely benign. Review status: criteria provided, multiple submitters, no conflicts (2 of 4 stars). 3 submissions from 3 submitters: Likely benign (2). 1 of the submissions does not count toward it. Last evaluated 2024-11-12.

Conditions:
ZNF469-related disorder. Also called: ZNF469-related condition.
Cardiovascular phenotype. Identifiers: MedGen CN230736.

Allele frequency attached by ClinVar (database versions not stated): TOPMed 0.00008; gnomAD 0.00011; 1000 Genomes Project 0.00020; 1000 Genomes Project 30x 0.00031.
gnomAD v4.1: 25 of 1,549,030 alleles (0.0016%); highest among the groups gnomAD compares: African/African-American, 0.029%; no homozygotes.

Submissions (3):

Labcorp Genetics (formerly Invitae), Labcorp
Classification: Likely benign. Last evaluated: 2024-11-12. Review status: criteria provided, single submitter. Criteria: Invitae Variant Classification Sherloc (09022015). Collection method: clinical testing. Allele origin: germline.

Ambry Genetics
Classification: Likely benign for Cardiovascular phenotype. Last evaluated: 2024-01-01. Review status: criteria provided, single submitter. Criteria: Ambry Variant Classification Scheme 2023. Collection method: clinical testing. Allele origin: germline.

PreventionGenetics, part of Exact Sciences
Classification: Likely benign for ZNF469-related condition. Last evaluated: 2021-04-08. Review status: no assertion criteria provided. Collection method: clinical testing. Allele origin: germline. Not counted in ClinVar's aggregate classification.
Comment: This variant is classified as likely benign based on ACMG/AMP sequence variant interpretation guidelines (Richards et al. 2015 PMID: 25741868, with internal and published modifications).